The following is an entry in ClinVar:

NM_006514.4(SCN10A):c.1977T>G (p.Phe659Leu)

Gene: SCN10A (sodium voltage-gated channel alpha subunit 10; minus strand). Cytogenetic location: 3p22.2.
Variant type: single nucleotide variant.
Coding change: c.1977T>G on transcript NM_006514.4 (MANE Select); coding-DNA position 1977, T replaced by G.
Protein change: p.Phe659Leu; replaces phenylalanine 659 with leucine.
Molecular consequence: missense variant.
Genome position (GRCh38, 1-based): chr3:38,742,420, A>C on the plus strand (T>G on the coding strand, the complement: SCN10A is on the minus strand). VCF-style: chr3-38742420-A-C. GRCh37 (hg19) VCF-style: chr3-38783911-A-C.
Other names: c.1977T>G, p.Phe659Leu (NM_001293306.2); c.1683T>G, p.Phe561Leu (NM_001293307.2); short protein forms F561L, F659L.
Identifiers: ClinVar variation 1395520 (VCV001395520.11), dbSNP rs1346592471, ClinGen allele CA352165635.

ClinVar aggregate classification (germline): Uncertain significance. Review status: criteria provided, multiple submitters, no conflicts (2 of 4 stars). 3 submissions from 3 submitters: Uncertain significance (3). Last evaluated 2024-01-03.

Conditions:
Brugada syndrome. Also called: Sudden Unexplained Death Syndrome; Sudden Unexplained Nocturnal Death Syndrome (SUNDS); Sudden unexplained nocturnal death syndrome; Sudden unexpected nocturnal death syndrome. Identifiers: Orphanet 130, MedGen C1142166, MONDO:0015263.
Cardiovascular phenotype. Identifiers: MedGen CN230736.

Allele frequency attached by ClinVar (database versions not stated): gnomAD exomes below 0.00001; TOPMed below 0.00001.
gnomAD v4.1: 14 of 1,614,176 alleles (0.00087%); highest among the groups gnomAD compares: Non-Finnish European, 0.0012%; no homozygotes.

Submissions (3):

Women's Health and Genetics/Laboratory Corporation of America, LabCorp
Classification: Uncertain significance. Last evaluated: 2024-01-03. Review status: criteria provided, single submitter. Criteria: LabCorp Variant Classification Summary - May 2015. Collection method: clinical testing. Allele origin: germline.
Comment: Variant summary: SCN10A c.1977T>G (p.Phe659Leu) results in a non-conservative amino acid change in the encoded protein sequence. Four of five in-silico tools predict a benign effect of the variant on protein function. The variant allele was found at a frequency of 9.6e-06 in 1456118 control chromosomes (i.e. 14 carriers) in the gnomAD database (v4.0 dataset). The relatively high number of carriers suggests that the variant is likely not associated with a dominant, severe and penetrant disease phenotype. To our knowledge, no occurrence of c.1977T>G in individuals affected with SCN10A-Related Disorders and no experimental evidence demonstrating its impact on protein function have been reported. Two submitters have cited clinical-significance assessments for this variant to ClinVar after 2014. All submitters classified the variant as uncertain significance. Based on the evidence outlined above, the variant was classified as VUS-possibly benign.

Ambry Genetics
Classification: Uncertain significance for Cardiovascular phenotype. Last evaluated: 2021-07-11. Review status: criteria provided, single submitter. Criteria: Ambry Variant Classification Scheme 2023. Collection method: clinical testing. Allele origin: germline.
Comment: The p.F659L variant (also known as c.1977T>G), located in coding exon 13 of the SCN10A gene, results from a T to G substitution at nucleotide position 1977. The phenylalanine at codon 659 is replaced by leucine, an amino acid with highly similar properties. This amino acid position is conserved. In addition, this alteration is predicted to be tolerated by in silico analysis. Since supporting evidence is limited at this time, the clinical significance of this alteration remains unclear.

Labcorp Genetics (formerly Invitae), Labcorp
Classification: Uncertain significance for Brugada syndrome. Last evaluated: 2021-04-27. Review status: criteria provided, single submitter. Criteria: Invitae Variant Classification Sherloc (09022015). Collection method: clinical testing. Allele origin: germline.
Comment: This variant has not been reported in the literature in individuals with SCN10A-related conditions. In summary, the available evidence is currently insufficient to determine the role of this variant in disease. Therefore, it has been classified as a Variant of Uncertain Significance. Advanced modeling of protein sequence and biophysical properties (such as structural, functional, and spatial information, amino acid conservation, physicochemical variation, residue mobility, and thermodynamic stability) performed at Invitae indicates that this missense variant is not expected to disrupt SCN10A protein function. This variant is not present in population databases (ExAC no frequency). This sequence change replaces phenylalanine with leucine at codon 659 of the SCN10A protein (p.Phe659Leu). The phenylalanine residue is weakly conserved and there is a small physicochemical difference between phenylalanine and leucine.